The following is an entry in ClinVar:

ClinVar aggregate classification (germline): Uncertain significance. Review status: criteria provided, multiple submitters, no conflicts (2 of 4 stars). 2 submissions from 2 submitters: Uncertain significance (2). Last evaluated 2022-07-01.

Conditions:
Inborn genetic diseases. Identifiers: MedGen C0950123, MeSH D030342.

Allele frequency attached by ClinVar (database versions not stated): gnomAD exomes 0.00001; ExAC 0.00003; gnomAD 0.00003; TOPMed 0.00003; 1000 Genomes Project 30x 0.00016; 1000 Genomes Project 0.00020.
gnomAD v4.1: 20 of 1,613,012 alleles (0.0012%); highest among the groups gnomAD compares: Middle Eastern, 0.017%; no homozygotes.

Submissions (2):

Labcorp Genetics (formerly Invitae), Labcorp
Classification: Uncertain significance. Last evaluated: 2022-07-01. Review status: criteria provided, single submitter. Criteria: Invitae Variant Classification Sherloc (09022015). Collection method: clinical testing. Allele origin: germline.
Comment: This sequence change replaces arginine, which is basic and polar, with tryptophan, which is neutral and slightly polar, at codon 2195 of the HSPG2 protein (p.Arg2195Trp). This variant is present in population databases (rs566319401, gnomAD 0.01%). This variant has not been reported in the literature in individuals affected with HSPG2-related conditions. Algorithms developed to predict the effect of missense changes on protein structure and function are either unavailable or do not agree on the potential impact of this missense change (SIFT: "Deleterious"; PolyPhen-2: "Possibly Damaging"; Align-GVGD: "Class C0"). In summary, the available evidence is currently insufficient to determine the role of this variant in disease. Therefore, it has been classified as a Variant of Uncertain Significance.

Ambry Genetics
Classification: Uncertain significance for Inborn genetic diseases. Last evaluated: 2021-07-26. Review status: criteria provided, single submitter. Criteria: Ambry Variant Classification Scheme 2023. Collection method: clinical testing. Allele origin: germline.

NM_005529.7(HSPG2):c.6583C>T (p.Arg2195Trp)

Genes: HSPG2 (heparan sulfate proteoglycan 2; minus strand), LOC126805655 (CDK7 strongly-dependent group 2 enhancer GRCh37_chr1:22178409-22179608; plus strand). Cytogenetic location: 1p36.12.
Variant type: single nucleotide variant.
Coding change: c.6583C>T on transcript NM_005529.7 (MANE Select); coding-DNA position 6583, C replaced by T.
Protein change: p.Arg2195Trp; replaces arginine 2195 with tryptophan.
Molecular consequence: missense variant.
Genome position (GRCh38, 1-based): chr1:21,852,927, G>A on the plus strand (C>T on the coding strand, the complement: HSPG2 is on the minus strand). VCF-style: chr1-21852927-G-A. GRCh37 (hg19) VCF-style: chr1-22179420-G-A.
Other names: c.6586C>T, p.Arg2196Trp (NM_001291860.2); short protein forms R2195W, R2196W.
Identifiers: ClinVar variation 1983905 (VCV001983905.2), dbSNP rs566319401, ClinGen allele CA671503.
Genomic context (GRCh38, chr1:21,852,927, plus strand): 5'-GAACAGTCCCATCCAGCCCCTCCAGCAAGGTGGTCCCGGGGGGCTGCCATACCTGGTGCC[G>A]GGCAGGGAGGCTGCCCCCACGCTTGTGCCACGTGACCTGGGCGTGGGCCTGCCCGGGCAC-3'
Protein context (NP_005520.4, residues 2185-2205): WHKRGGSLPA[Arg2195Trp]HQTHGSLLRL